The following is an entry in ClinVar:

NM_001256715.2(DNAAF3):c.1163+1G>T

Genes: DNAAF3 (dynein axonemal assembly factor 3; minus strand), DNAAF3-AS1 (DNAAF3 antisense RNA 1; plus strand). Cytogenetic location: 19q13.42.
Variant type: single nucleotide variant.
Coding change: c.1163+1G>T on transcript NM_001256715.2 (MANE Select); the canonical splice donor site of the intron after coding-DNA position 1163, G replaced by T.
Molecular consequence: splice donor variant.
Genome position (GRCh38, 1-based): chr19:55,159,898, C>A on the plus strand (G>T on the coding strand, the complement: DNAAF3 is on the minus strand). VCF-style: chr19-55159898-C-A. GRCh37 (hg19) VCF-style: chr19-55671266-C-A.
Other names: c.1304+1G>T (NM_178837.4); c.1364+1G>T (NM_001256714.1); c.1001+1G>T (NM_001256716.2).
Identifiers: ClinVar variation 5019121 (VCV005019121.2).

ClinVar aggregate classification (germline): Likely pathogenic (1 of 4 stars; one submission).

Conditions:
Primary ciliary dyskinesia 2. Also called: CILIARY DYSKINESIA, PRIMARY, 2, WITH OR WITHOUT SITUS INVERSUS. Identifiers: Orphanet 244, MedGen C1847554, MONDO:0011718, OMIM 606763.

Submission:

Juno Genomics, Hangzhou Juno Genomics, Inc
Classification: Likely pathogenic for Primary ciliary dyskinesia 2. Review status: criteria provided, single submitter. Criteria: ACMG Guidelines, 2015. Collection method: clinical testing. Allele origin: germline.
Comment: Absent from controls (or at extremely low frequency if recessive) in Genome Aggregation Database.;Null variant in a gene where loss of function (LOF) is a known mechanism of disease.